The following is an entry in ClinVar:

ClinVar aggregate classification (germline): Pathogenic/Likely pathogenic. Review status: criteria provided, multiple submitters, no conflicts (2 of 4 stars). 2 submissions from 2 submitters: Pathogenic (1); Likely pathogenic (1). Last evaluated 2022-05-12.

Conditions:
Primary ciliary dyskinesia. Also called: Ciliary dyskinesia. Identifiers: Orphanet 244, MedGen C0008780, MONDO:0016575, HP:0012265.
RPGR-related disorder. Also called: RPGR-related condition.

Submissions (2):

Labcorp Genetics (formerly Invitae), Labcorp
Classification: Pathogenic for Primary ciliary dyskinesia. Last evaluated: 2022-05-12. Review status: criteria provided, single submitter. Criteria: Invitae Variant Classification Sherloc (09022015). Collection method: clinical testing. Allele origin: germline.
Comment: For these reasons, this variant has been classified as Pathogenic. This variant has not been reported in the literature in individuals affected with RPGR-related conditions. This variant is not present in population databases (gnomAD no frequency). This sequence change creates a premature translational stop signal (p.Cys356*) in the RPGR gene. It is expected to result in an absent or disrupted protein product. Loss-of-function variants in RPGR are known to be pathogenic (PMID: 16055928, 16969763).

Blueprint Genetics
Classification: Likely pathogenic for RPGR-related disorders. Last evaluated: 2021-11-18. Review status: criteria provided, single submitter. Criteria: ACMG Guidelines, 2015. Collection method: clinical testing. Allele origin: germline. Affected: yes. Observed: 1 variant allele.

Literature cited by the submitters: PubMed 16055928 (cited by Labcorp Genetics (formerly Invitae), Labcorp); PubMed 16969763 (cited by Labcorp Genetics (formerly Invitae), Labcorp).

NM_001034853.2(RPGR):c.1068T>A (p.Cys356Ter)

Gene: RPGR (retinitis pigmentosa GTPase regulator; minus strand). Cytogenetic location: Xp11.4.
Variant type: single nucleotide variant.
Coding change: c.1068T>A on transcript NM_001034853.2 (MANE Select); coding-DNA position 1068, T replaced by A.
Protein change: p.Cys356Ter; replaces cysteine 356 with a stop codon.
Molecular consequence: nonsense. On other transcripts: non-coding transcript variant (6), intron variant (2).
Genome position (GRCh38, 1-based): chrX:38,299,133, A>T on the plus strand (T>A on the coding strand, the complement: RPGR is on the minus strand). VCF-style: chrX-38299133-A-T. GRCh37 (hg19) VCF-style: chrX-38158386-A-T.
Other names: c.1068T>A, p.Cys356Ter (NM_000328.3, NM_001367247.1); c.1065T>A, p.Cys355Ter (NM_001367245.1, NM_001367249.1, NM_001367250.1); c.1098T>A, p.Cys366Ter (NM_001367248.1); c.1060-1681T>A (NM_001367251.1, NM_001367246.1); short protein forms C355*, C356*, C366*.
Identifiers: ClinVar variation 1971193 (VCV001971193.6), dbSNP rs2519829828, ClinGen allele CA412740076.
Genomic context (GRCh38, chrX:38,299,133, plus strand): 5'-TTCAATTTCTTTTGCCACACCACGATGAGGAGCAGCAAAAACTACCATGTGACATCCACC[A>T]CAAGCAACCTGCAGCATAAATCCACAGAAAAACTCATCAACATTGGCTTCAAACACAAAT-3'